The following is an entry in ClinVar:

NM_198576.4(AGRN):c.947C>T (p.Pro316Leu)

Gene: AGRN (agrin; plus strand). Cytogenetic location: 1p36.33.
Variant type: single nucleotide variant.
Coding change: c.947C>T on transcript NM_198576.4 (MANE Select); coding-DNA position 947, C replaced by T.
Protein change: p.Pro316Leu; replaces proline 316 with leucine.
Molecular consequence: missense variant.
Genome position (GRCh38, 1-based): chr1:1,041,392, C>T. VCF-style: chr1-1041392-C-T. GRCh37 (hg19) VCF-style: chr1-976772-C-T.
Other names: c.947C>T, p.Pro316Leu (NM_001305275.2); c.632C>T, p.Pro211Leu (NM_001364727.2); short protein forms P211L, P316L.
Identifiers: ClinVar variation 2066298 (VCV002066298.4), dbSNP rs1215534973, ClinGen allele CA337825270.
Genomic context (GRCh38, chr1:1,041,392, plus strand): 5'-GCCAGCTCCTGCGCCGCGCCTGCGCCCGCCAGGAGAATGTCTTCAAGAAGTTCGACGGCC[C>T]TTGTGGTGAGCGCGGCGGCGGGCGCACGGCTCGAGCTCTGTGGGCGCGCGGCGACAGCGT-3'
Protein context (NP_940978.2, residues 306-326): QENVFKKFDG[Pro316Leu]CDPCQGALPD

ClinVar aggregate classification (germline): Uncertain significance (1 of 4 stars; one submission).

Conditions:
Congenital myasthenic syndrome 8. Also called: MYASTHENIC SYNDROME, CONGENITAL, DUE TO AGRIN DEFICIENCY; Myasthenic syndrome, congenital, 8, with pre- and postsynaptic defects. Identifiers: Orphanet 590, MedGen C3808739, MONDO:0014052, OMIM 615120.

gnomAD v4.1: 1 of 1,545,284 alleles (0.000065%); highest among the groups gnomAD compares: Admixed American, 0.0019%; no homozygotes.

Submission:

Labcorp Genetics (formerly Invitae), Labcorp
Classification: Uncertain significance for Congenital myasthenic syndrome 8. Last evaluated: 2026-01-19. Review status: criteria provided, single submitter. Criteria: Invitae Variant Classification Sherloc (09022015). Collection method: clinical testing. Allele origin: germline.
Comment: This sequence change replaces proline, which is neutral and non-polar, with leucine, which is neutral and non-polar, at codon 316 of the AGRN protein (p.Pro316Leu). This variant is not present in population databases (gnomAD no frequency). This variant has not been reported in the literature in individuals affected with AGRN-related conditions. ClinVar contains an entry for this variant (Variation ID: 2066298). An algorithm developed to predict the effect of missense changes on protein structure and function (PolyPhen-2) suggests that this variant is likely to be disruptive. In summary, the available evidence is currently insufficient to determine the role of this variant in disease. Therefore, it has been classified as a Variant of Uncertain Significance.